The following is an entry in ClinVar:

NM_004667.6(HERC2):c.3133C>T (p.Arg1045Cys)

Gene: HERC2 (HECT and RLD domain containing E3 ubiquitin protein ligase 2; minus strand). Cytogenetic location: 15q13.1.
Variant type: single nucleotide variant.
Coding change: c.3133C>T on transcript NM_004667.6 (MANE Select); coding-DNA position 3133, C replaced by T.
Protein change: p.Arg1045Cys; replaces arginine 1045 with cysteine.
Molecular consequence: missense variant.
Genome position (GRCh38, 1-based): chr15:28,248,654, G>A on the plus strand (C>T on the coding strand, the complement: HERC2 is on the minus strand). VCF-style: chr15-28248654-G-A. GRCh37 (hg19) VCF-style: chr15-28493800-G-A.
Other names: short protein forms R1045C.
Identifiers: ClinVar variation 728636 (VCV000728636.8), dbSNP rs117802902, ClinGen allele CA7442985.

ClinVar aggregate classification (germline): Likely benign. Review status: criteria provided, multiple submitters, no conflicts (2 of 4 stars). 3 submissions from 3 submitters: Likely benign (2). 1 of the submissions does not count toward it. Last evaluated 2022-04-13.

Conditions:
HERC2-related disorder. Also called: HERC2-related condition.
SKIN/HAIR/EYE PIGMENTATION 1, BLUE/NONBLUE EYES (SHEP1). Also called: EYE COLOR 3; EYE COLOR, BLUE/NONBLUE; EYE COLOR, BROWN/BLUE; HAIR COLOR 3; SKIN/HAIR/EYE PIGMENTATION 1, BLOND/BROWN HAIR; SKIN/HAIR/EYE PIGMENTATION 1, BLUE/BROWN EYES. Identifiers: MedGen C1856895, OMIM 227220.
Prader-Willi syndrome (PWS). Identifiers: Orphanet 739, MedGen C0032897, MONDO:0008300, OMIM 176270. Disease mechanism: Microdeletion, loss of function. Inheritance: Microdletion.
Developmental delay with autism spectrum disorder and gait instability (MRT38). Also called: Intellectual developmental disorder, autosomal recessive 38. Identifiers: Orphanet 329195, MedGen C3809753, MONDO:0014224, OMIM 615516.

Allele frequency attached by ClinVar (database versions not stated): gnomAD 0.00025 and 0.00033; TOPMed 0.00045; gnomAD exomes 0.00061; ExAC 0.00062; 1000 Genomes Project 0.00200; 1000 Genomes Project 30x 0.00203.
gnomAD v4.1: 523 of 1,613,782 alleles (0.032%); highest among the groups gnomAD compares: East Asian, 1%; 3 homozygotes.

Submissions (3):

Fulgent Genetics
Classification: Likely benign for Prader-Willi syndrome; SKIN/HAIR/EYE PIGMENTATION 1, BLUE/NONBLUE EYES; Developmental delay with autism spectrum disorder and gait instability. Last evaluated: 2022-04-13. Review status: criteria provided, single submitter. Criteria: ACMG Guidelines, 2015. Collection method: clinical testing. Allele origin: unknown.

Labcorp Genetics (formerly Invitae), Labcorp
Classification: Likely benign. Last evaluated: 2018-01-03. Review status: criteria provided, single submitter. Criteria: Invitae Variant Classification Sherloc (09022015). Collection method: clinical testing. Allele origin: germline.

PreventionGenetics, part of Exact Sciences
Classification: Benign for HERC2-related condition. Last evaluated: 2019-08-14. Review status: no assertion criteria provided. Collection method: clinical testing. Allele origin: germline. Not counted in ClinVar's aggregate classification.
Comment: This variant is classified as benign based on ACMG/AMP sequence variant interpretation guidelines (Richards et al. 2015 PMID: 25741868, with internal and published modifications).